The following is an entry in ClinVar:

NM_001375567.1(FOCAD):c.3488C>T (p.Ala1163Val)

Gene: FOCAD (focadhesin; plus strand). Cytogenetic location: 9p21.3.
Variant type: single nucleotide variant.
Coding change: c.3488C>T on transcript NM_001375567.1 (MANE Select); coding-DNA position 3488, C replaced by T.
Protein change: p.Ala1163Val; replaces alanine 1163 with valine.
Molecular consequence: missense variant.
Genome position (GRCh38, 1-based): chr9:20,944,707, C>T. VCF-style: chr9-20944707-C-T. GRCh37 (hg19) VCF-style: chr9-20944706-C-T.
Other names: c.3383C>T, p.Ala1128Val (NM_001375568.1, NM_001375570.1); c.3488C>T, p.Ala1163Val (NM_017794.5); short protein forms A1163V, A1128V.
Identifiers: ClinVar variation 4752905 (VCV004752905.1).

ClinVar aggregate classification (germline): Uncertain significance (1 of 4 stars; one submission).

gnomAD v4.1: 11 of 1,613,968 alleles (0.00068%); highest among the groups gnomAD compares: Middle Eastern, 0.016%; no homozygotes.

Submission:

Labcorp Genetics (formerly Invitae), Labcorp
Classification: Uncertain significance. Last evaluated: 2025-07-15. Review status: criteria provided, single submitter. Criteria: Invitae Variant Classification Sherloc (09022015). Collection method: clinical testing. Allele origin: germline.
Comment: This sequence change replaces alanine, which is neutral and non-polar, with valine, which is neutral and non-polar, at codon 1163 of the FOCAD protein (p.Ala1163Val). This variant is present in population databases (no rsID available, gnomAD 0.002%). This variant has not been reported in the literature in individuals affected with FOCAD-related conditions. Experimental studies and prediction algorithms are not available or were not evaluated, and the functional significance of this variant is currently unknown. In summary, the available evidence is currently insufficient to determine the role of this variant in disease. Therefore, it has been classified as a Variant of Uncertain Significance.